The following is an entry in ClinVar:

NM_000208.4(INSR):c.3071C>T (p.Thr1024Ile)

Gene: INSR (insulin receptor; minus strand). Cytogenetic location: 19p13.2.
Variant type: single nucleotide variant.
Coding change: c.3071C>T on transcript NM_000208.4 (MANE Select); coding-DNA position 3071, C replaced by T.
Protein change: p.Thr1024Ile; replaces threonine 1024 with isoleucine.
Molecular consequence: missense variant.
Genome position (GRCh38, 1-based): chr19:7,125,470, G>A on the plus strand (C>T on the coding strand, the complement: INSR is on the minus strand). VCF-style: chr19-7125470-G-A. GRCh37 (hg19) VCF-style: chr19-7125481-G-A.
Other names: c.3035C>T, p.Thr1012Ile (NM_001079817.3); short protein forms T1024I, T1012I.
Identifiers: ClinVar variation 393182 (VCV000393182.3), dbSNP rs780301757, ClinGen allele CA9135366.

ClinVar aggregate classification (germline): Uncertain significance. Review status: criteria provided, multiple submitters, no conflicts (2 of 4 stars). 2 submissions from 2 submitters: Uncertain significance (2). Last evaluated 2025-01-06.

Allele frequency attached by ClinVar (database versions not stated): gnomAD 0.00001 and below 0.00001.
gnomAD v4.1: 22 of 1,613,962 alleles (0.0014%); highest among the groups gnomAD compares: South Asian, 0.022%; no homozygotes.

Submissions (2):

Revvity Omics, Revvity
Classification: Uncertain significance. Last evaluated: 2025-01-06. Review status: criteria provided, single submitter. Criteria: ACMG Guidelines, 2015. Collection method: clinical testing. Allele origin: germline.

GeneDx
Classification: Uncertain significance. Last evaluated: 2017-02-07. Review status: criteria provided, single submitter. Criteria: GeneDx Variant Classification (06012015). Collection method: clinical testing. Allele origin: germline. Affected: yes.
Comment: The T1024I variant in the INSR gene has not been reported previously as a pathogenic variant, nor as a benign variant, to our knowledge. The T1024I variant is not observed at a significant frequency in large population cohorts (Lek et al., 2016; 1000 Genomes Consortium et al., 2015; Exome Variant Server). The T1024I variant is a non-conservative amino acid substitution, which is likely to impact secondary protein structure as these residues differ in polarity, charge, size and/or other properties. This substitution occurs at a position that is not conserved. In silico analysis predicts this variant is probably damaging to the protein structure/function. We interpret T1024I as a variant of uncertain significance.